The following is an entry in ClinVar:

NM_005219.5(DIAPH1):c.352A>T (p.Ile118Phe)

Gene: DIAPH1 (diaphanous related formin 1; minus strand). Cytogenetic location: 5q31.3.
Variant type: single nucleotide variant.
Coding change: c.352A>T on transcript NM_005219.5 (MANE Select); coding-DNA position 352, A replaced by T.
Protein change: p.Ile118Phe; replaces isoleucine 118 with phenylalanine.
Molecular consequence: missense variant.
Genome position (GRCh38, 1-based): chr5:141,584,174, T>A on the plus strand (A>T on the coding strand, the complement: DIAPH1 is on the minus strand). VCF-style: chr5-141584174-T-A. GRCh37 (hg19) VCF-style: chr5-140963741-T-A.
Other names: c.325A>T, p.Ile109Phe (NM_001079812.3); c.352A>T, p.Ile118Phe (NM_001314007.2); short protein forms I109F, I118F.
Identifiers: ClinVar variation 1307107 (VCV001307107.8), dbSNP rs769174848, ClinGen allele CA128442652.

ClinVar aggregate classification (germline): Uncertain significance. Review status: criteria provided, multiple submitters, no conflicts (2 of 4 stars). 3 submissions from 3 submitters: Uncertain significance (3). Last evaluated 2025-06-03.

Conditions:
Inborn genetic diseases. Identifiers: MedGen C0950123, MeSH D030342.
Progressive microcephaly-seizures-cortical blindness-developmental delay syndrome. Also called: Seizures, cortical blindness, and microcephaly syndrome. Identifiers: Orphanet 477814, MedGen C5567650, MONDO:0014714, OMIM 616632.
Autosomal dominant nonsyndromic hearing loss 1. Also called: DEAFNESS, AUTOSOMAL DOMINANT 1, WITH OR WITHOUT THROMBOCYTOPENIA; KONIGSMARK SYNDROME. Identifiers: Orphanet 90635, MedGen C1852282, MONDO:0007424, OMIM 124900.

gnomAD v4.1: 30 of 1,613,616 alleles (0.0019%); highest among the groups gnomAD compares: Non-Finnish European, 0.0025%; no homozygotes.

Submissions (3):

Labcorp Genetics (formerly Invitae), Labcorp
Classification: Uncertain significance for Progressive microcephaly-seizures-cortical blindness-developmental delay syndrome; Autosomal dominant nonsyndromic hearing loss 1. Last evaluated: 2025-06-03. Review status: criteria provided, single submitter. Criteria: Invitae Variant Classification Sherloc (09022015). Collection method: clinical testing. Allele origin: germline.
Comment: This sequence change replaces isoleucine, which is neutral and non-polar, with phenylalanine, which is neutral and non-polar, at codon 118 of the DIAPH1 protein (p.Ile118Phe). This variant is not present in population databases (gnomAD no frequency). This variant has not been reported in the literature in individuals affected with DIAPH1-related conditions. ClinVar contains an entry for this variant (Variation ID: 1307107). Experimental studies and prediction algorithms are not available or were not evaluated, and the functional significance of this variant is currently unknown. In summary, the available evidence is currently insufficient to determine the role of this variant in disease. Therefore, it has been classified as a Variant of Uncertain Significance.

Ambry Genetics
Classification: Uncertain significance for Inborn genetic diseases. Last evaluated: 2024-08-20. Review status: criteria provided, single submitter. Criteria: Ambry Variant Classification Scheme 2023. Collection method: clinical testing. Allele origin: germline.

GeneDx
Classification: Uncertain significance. Last evaluated: 2019-07-10. Review status: criteria provided, single submitter. Criteria: GeneDx Variant Classification Process June 2021. Collection method: clinical testing. Allele origin: germline. Affected: yes.
Comment: Not observed in large population cohorts (Lek et al., 2016); In silico analysis, which includes protein predictors and evolutionary conservation, supports that this variant does not alter protein structure/function; Has not been previously published as pathogenic or benign to our knowledge